The following is an entry in ClinVar:

NM_015164.4(PLEKHM2):c.2443C>T (p.Pro815Ser)

Gene: PLEKHM2 (pleckstrin homology and RUN domain containing M2; plus strand). Cytogenetic location: 1p36.21.
Variant type: single nucleotide variant.
Coding change: c.2443C>T on transcript NM_015164.4 (MANE Select); coding-DNA position 2443, C replaced by T.
Protein change: p.Pro815Ser; replaces proline 815 with serine.
Molecular consequence: missense variant.
Genome position (GRCh38, 1-based): chr1:15,731,235, C>T. VCF-style: chr1-15731235-C-T. GRCh37 (hg19) VCF-style: chr1-16057730-C-T.
Other names: c.2383C>T, p.Pro795Ser (NM_001410755.1); short protein forms P795S, P815S.
Identifiers: ClinVar variation 2818468 (VCV002818468.3), dbSNP rs1228686907, ClinGen allele CA338572751.
Genomic context (GRCh38, chr1:15,731,235, plus strand): 5'-GTGTTGTGCCCCTGCAGCAACGGGATCCTCTACCAGTACCCGGACCGCACCGACGTCATC[C>T]CTCTGCTCTCGGTGAACATGGGGTAAGTGTCCCGGGAGAAGCGGGTGTATCCTGGGGCCC-3'
Protein context (NP_055979.2, residues 805-825): YQYPDRTDVI[Pro815Ser]LLSVNMGGEQ

ClinVar aggregate classification (germline): Uncertain significance (1 of 4 stars; one submission).

Submission:

Labcorp Genetics (formerly Invitae), Labcorp
Classification: Uncertain significance. Last evaluated: 2022-12-04. Review status: criteria provided, single submitter. Criteria: Invitae Variant Classification Sherloc (09022015). Collection method: clinical testing. Allele origin: germline.
Comment: This sequence change replaces proline, which is neutral and non-polar, with serine, which is neutral and polar, at codon 815 of the PLEKHM2 protein (p.Pro815Ser). In summary, the available evidence is currently insufficient to determine the role of this variant in disease. Therefore, it has been classified as a Variant of Uncertain Significance. Algorithms developed to predict the effect of missense changes on protein structure and function are either unavailable or do not agree on the potential impact of this missense change (SIFT: "Deleterious"; PolyPhen-2: "Probably Damaging"; Align-GVGD: "Class C0"). This variant has not been reported in the literature in individuals affected with PLEKHM2-related conditions. This variant is not present in population databases (gnomAD no frequency).